The following is an entry in ClinVar:

NM_001367823.1(ARHGEF18):c.1876G>A (p.Asp626Asn)

Gene: ARHGEF18 (Rho/Rac guanine nucleotide exchange factor 18; plus strand). Cytogenetic location: 19p13.2.
Variant type: single nucleotide variant.
Coding change: c.1876G>A on transcript NM_001367823.1 (MANE Select); coding-DNA position 1876, G replaced by A.
Protein change: p.Asp626Asn; replaces aspartic acid 626 with asparagine.
Molecular consequence: missense variant.
Genome position (GRCh38, 1-based): chr19:7,453,487, G>A. VCF-style: chr19-7453487-G-A. GRCh37 (hg19) VCF-style: chr19-7518373-G-A.
Other names: c.1150G>A, p.Asp384Asn (NM_001130955.2); c.838G>A, p.Asp280Asn (NM_001367824.1, NM_015318.4); short protein forms D280N, D626N, D384N.
Identifiers: ClinVar variation 2131119 (VCV002131119.4), dbSNP rs1975629334, ClinGen allele CA403111589.

ClinVar aggregate classification (germline): Uncertain significance (1 of 4 stars; one submission).

Allele frequency attached by ClinVar (database versions not stated): TOPMed below 0.00001; gnomAD 0.00001.
gnomAD v4.1: 1 of 1,610,150 alleles (0.000062%); highest among the groups gnomAD compares: East Asian, 0.0022%; no homozygotes.

Submission:

Labcorp Genetics (formerly Invitae), Labcorp
Classification: Uncertain significance. Last evaluated: 2022-04-28. Review status: criteria provided, single submitter. Criteria: Invitae Variant Classification Sherloc (09022015). Collection method: clinical testing. Allele origin: germline.
Comment: In summary, the available evidence is currently insufficient to determine the role of this variant in disease. Therefore, it has been classified as a Variant of Uncertain Significance. Algorithms developed to predict the effect of missense changes on protein structure and function are either unavailable or do not agree on the potential impact of this missense change (SIFT: "Deleterious"; PolyPhen-2: "Probably Damaging"; Align-GVGD: "Class C0"). This variant has not been reported in the literature in individuals affected with ARHGEF18-related conditions. This variant is not present in population databases (gnomAD no frequency). This sequence change replaces aspartic acid, which is acidic and polar, with asparagine, which is neutral and polar, at codon 438 of the ARHGEF18 protein (p.Asp438Asn).